The following continues an entry in ClinVar:

NM_000350.3(ABCA4):c.3056C>T (p.Thr1019Met)

Gene: ABCA4. ClinVar aggregate classification (germline): Pathogenic. Pathogenic (1).

Submissions 11 to 15 of 15:

Institute of Human Genetics, Univ. Regensburg, Univ. Regensburg
Classification: Likely pathogenic for Retinal dystrophy. Last evaluated: 2019-01-01. Review status: criteria provided, single submitter. Criteria: ACMG Guidelines, 2015. Collection method: clinical testing. Allele origin: germline. Affected: yes. Not counted in ClinVar's aggregate classification.

Eurofins Ntd Llc (ga)
Classification: Pathogenic. Last evaluated: 2016-08-25. Review status: criteria provided, single submitter. Criteria: EGL Classification Definitions 2015. Collection method: clinical testing. Allele origin: germline. Observed: 1 variant allele, 1 heterozygote. Not counted in ClinVar's aggregate classification.

Clinical Genetics Service, Universitary Hospital 12 de Octubre
Classification: Pathogenic for Severe early-childhood-onset retinal dystrophy. Review status: criteria provided, single submitter. Criteria: ACMG Guidelines, 2015. Collection method: clinical testing. Allele origin: paternal. Affected: yes. Not counted in ClinVar's aggregate classification.

Sharon lab, Hadassah-Hebrew University Medical Center
Classification: Likely pathogenic for Stargardt disease. Last evaluated: 2019-06-23. Review status: no assertion criteria provided. Collection method: research. Allele origin: inherited. Affected: yes. Not counted in ClinVar's aggregate classification.

Ophthalmo-Genetics Lab, Instituto de Oftalmologia Conde de Valenciana
Classification: Pathogenic for Severe early-childhood-onset retinal dystrophy. Review status: no assertion criteria provided. Collection method: research. Allele origin: germline. Inheritance: Autosomal recessive inheritance. Affected: yes. Not counted in ClinVar's aggregate classification.

Literature cited by the submitters: PubMed 16103129 (cited by Labcorp Genetics (formerly Invitae), Labcorp and Dasa); PubMed 19028736 (cited by 3 submitters); PubMed 29114839 (cited by 3 submitters); PubMed 29310964 (cited by 3 submitters); PubMed 30093795 (cited by Labcorp Genetics (formerly Invitae), Labcorp and Dasa); PubMed 11328725 (cited by 3billion); PubMed 9781034 (cited by 3billion and Institute of Human Genetics, Univ. Regensburg, Univ. Regensburg); PubMed 39162841 (cited by Dasa); PubMed 28571903 (cited by Institute of Human Genetics, Univ. Regensburg, Univ. Regensburg); PubMed 31589614 (cited by Institute of Human Genetics, Univ. Regensburg, Univ. Regensburg); PubMed 29925512 (cited by Institute of Human Genetics, Univ. Regensburg, Univ. Regensburg); PubMed 32845050 (cited by Institute of Human Genetics, Univ. Regensburg, Univ. Regensburg); PubMed 32619608 (cited by Institute of Human Genetics, Univ. Regensburg, Univ. Regensburg and Ophthalmo-Genetics Lab, Instituto de Oftalmologia Conde de Valenciana); PubMed 32483926 (cited by Institute of Human Genetics, Univ. Regensburg, Univ. Regensburg); PubMed 31964843 (cited by Institute of Human Genetics, Univ. Regensburg, Univ. Regensburg); PubMed 32307445 (cited by Institute of Human Genetics, Univ. Regensburg, Univ. Regensburg); PubMed 33090715 (cited by Institute of Human Genetics, Univ. Regensburg, Univ. Regensburg); PubMed 33302505 (cited by Institute of Human Genetics, Univ. Regensburg, Univ. Regensburg); PubMed 31456290 (cited by Institute of Human Genetics, Univ. Regensburg, Univ. Regensburg); PubMed 32531858 (cited by Institute of Human Genetics, Univ. Regensburg, Univ. Regensburg); PubMed 33301772 (cited by Institute of Human Genetics, Univ. Regensburg, Univ. Regensburg); PubMed 35119454 (cited by Institute of Human Genetics, Univ. Regensburg, Univ. Regensburg); PubMed 36460718 (cited by Institute of Human Genetics, Univ. Regensburg, Univ. Regensburg); PubMed 36284460 (cited by Institute of Human Genetics, Univ. Regensburg, Univ. Regensburg); PubMed 35657619 (cited by Institute of Human Genetics, Univ. Regensburg, Univ. Regensburg).